The following is an entry in ClinVar:

ClinVar aggregate classification (germline): Conflicting classifications of pathogenicity. Review status: criteria provided, conflicting classifications (1 of 4 stars). 3 submissions from 3 submitters: Likely pathogenic (1); Uncertain significance (2). Last evaluated 2023-03-31.

Conditions:
Retinitis pigmentosa 39 (RP39). Identifiers: Orphanet 791, MedGen C3151138, MONDO:0013436, OMIM 613809.

Allele frequency attached by ClinVar (database versions not stated): gnomAD exomes 0.00001.
gnomAD v4.1: 11 of 1,614,164 alleles (0.00068%); highest among the groups gnomAD compares: Non-Finnish European, 0.00093%; no homozygotes.

Submissions (3):

Women's Health and Genetics/Laboratory Corporation of America, LabCorp
Classification: Uncertain significance. Last evaluated: 2023-03-31. Review status: criteria provided, single submitter. Criteria: LabCorp Variant Classification Summary - May 2015. Collection method: clinical testing. Allele origin: germline.
Comment: Variant summary: USH2A c.13279G>A (p.Gly4427Arg) results in a non-conservative amino acid change located in the Fibronectin type III domain (IPR003961) of the encoded protein sequence. Three of four in-silico tools predict a damaging effect of the variant on protein function. The variant allele was found at a frequency of 8e-06 in 250936 control chromosomes (gnomAD). The available data on variant occurrences in the general population are insufficient to allow any conclusion about variant significance. To our knowledge, no occurrence of c.13279G>A in individuals affected with Usher Syndrome and no experimental evidence demonstrating its impact on protein function have been reported. One clinical diagnostic laboratory has submitted clinical-significance assessments for this variant to ClinVar after 2014 and classified the variant as likely pathogenic. Based on the evidence outlined above, the variant was classified as uncertain significance.

DBGen Ocular Genomics
Classification: Likely pathogenic for Retinitis pigmentosa 39. Last evaluated: 2021-06-23. Review status: criteria provided, single submitter. Criteria: ACMG Guidelines, 2015. Collection method: clinical testing. Allele origin: germline. Affected: yes. Observed: 1 variant allele.

Blueprint Genetics
Classification: Uncertain significance. Last evaluated: 2021-01-13. Review status: criteria provided, single submitter. Criteria: ACMG Guidelines, 2015. Collection method: clinical testing. Allele origin: germline.

NM_206933.4(USH2A):c.13279G>A (p.Gly4427Arg)

Gene: USH2A (usherin; minus strand). Cytogenetic location: 1q41.
Variant type: single nucleotide variant.
Coding change: c.13279G>A on transcript NM_206933.4 (MANE Select); coding-DNA position 13279, G replaced by A.
Protein change: p.Gly4427Arg; replaces glycine 4427 with arginine.
Molecular consequence: missense variant.
Genome position (GRCh38, 1-based): chr1:215,674,632, C>T on the plus strand (G>A on the coding strand, the complement: USH2A is on the minus strand). VCF-style: chr1-215674632-C-T. GRCh37 (hg19) VCF-style: chr1-215847974-C-T.
Other names: c.13279G>A (NM_206933.2); short protein forms G4427R.
Identifiers: ClinVar variation 1213945 (VCV001213945.4), dbSNP rs1255592098, ClinGen allele CA344845890.